The following is an entry in ClinVar:

ClinVar aggregate classification (germline): Pathogenic. Review status: reviewed by expert panel (3 of 4 stars). 2 submissions from 2 submitters: Pathogenic (1). 1 of the submissions does not count toward it. Last evaluated 2026-02-24.

Conditions:
ABCA4-related retinopathy. Also called: ABCA4-related retinoapthy; ABCA4 retinoapthy. Identifiers: MedGen CN322612, MONDO:0800406.

Allele frequency attached by ClinVar (database versions not stated): gnomAD exomes below 0.00001.

Submissions (2):

ClinGen ABCA4 Variant Curation Expert Panel, Clingen
Classification: Pathogenic for ABCA4-related retinopathy. Last evaluated: 2026-02-24. Review status: reviewed by expert panel. Criteria: ClinGen ABCA4 ACMG Specifications V1.0.0. Collection method: curation. Allele origin: germline. Inheritance: Autosomal recessive inheritance.
Comment: The NM_000350.3:c.3943C>T (p.Gln1315Ter) variant in ABCA4 is a nonsense variant predicted to cause a premature stop codon in biologically relevant exon 27/50 leading to nonsense mediated decay in a gene in which loss-of-function is an established disease mechanism (PVS1, PMID: 23769331). The total minor allele frequency in gnomAD v4.1.0 is 0.00000062 (1/1614082 alleles), which is lower than the ClinGen ABCA4 VCEP’s threshold for PM2_Supporting (<0.0001). The prevalence of the variant in affected individuals is significantly increased compared with the prevalence in controls with the OR at infinity and CI of 7.87 to infinity, which is above the ABCA4 VCEP threshold of ≥5 where the CI does not contain 1 (PS4; PMID: 35120629). In summary, this variant meets the criteria to be classified as pathogenic for ABCA4-related retinopathy based on the ACMG/AMP criteria applied, as specified by the ClinGen ABCA4 VCEP (Specification Version 1.0), as specified by the ClinGen ABCA4 Variant Curation Expert Panel: PVS1, PS4, PM2_Supporting.

Labcorp Genetics (formerly Invitae), Labcorp
Classification: Pathogenic. Last evaluated: 2022-07-26. Review status: criteria provided, single submitter. Criteria: Invitae Variant Classification Sherloc (09022015). Collection method: clinical testing. Allele origin: germline. Not counted in ClinVar's aggregate classification.
Comment: This variant is not present in population databases (gnomAD no frequency). For these reasons, this variant has been classified as Pathogenic. ClinVar contains an entry for this variant (Variation ID: 1457683). This premature translational stop signal has been observed in individual(s) with Stargardt disease or cone-rod dystrophy (PMID: 23755871, 32619608). This sequence change creates a premature translational stop signal (p.Gln1315*) in the ABCA4 gene. It is expected to result in an absent or disrupted protein product. Loss-of-function variants in ABCA4 are known to be pathogenic (PMID: 10958761, 24938718, 25312043, 26780318).

Literature cited by the submitters: PubMed 23755871 (cited by Labcorp Genetics (formerly Invitae), Labcorp); PubMed 32619608 (cited by Labcorp Genetics (formerly Invitae), Labcorp); PubMed 10958761 (cited by Labcorp Genetics (formerly Invitae), Labcorp); PubMed 24938718 (cited by Labcorp Genetics (formerly Invitae), Labcorp); PubMed 25312043 (cited by Labcorp Genetics (formerly Invitae), Labcorp); PubMed 26780318 (cited by Labcorp Genetics (formerly Invitae), Labcorp).

NM_000350.3(ABCA4):c.3943C>T (p.Gln1315Ter)

Gene: ABCA4 (ATP binding cassette subfamily A member 4; minus strand). Cytogenetic location: 1p22.1.
Variant type: single nucleotide variant.
Coding change: c.3943C>T on transcript NM_000350.3 (MANE Select); coding-DNA position 3943, C replaced by T.
Protein change: p.Gln1315Ter; replaces glutamine 1315 with a stop codon.
Molecular consequence: nonsense.
Genome position (GRCh38, 1-based): chr1:94,031,963, G>A on the plus strand (C>T on the coding strand, the complement: ABCA4 is on the minus strand). VCF-style: chr1-94031963-G-A. GRCh37 (hg19) VCF-style: chr1-94497519-G-A.
Other names: NM_000350.3(ABCA4):c.3943C>T; p.Gln1315Ter; c.3721C>T, p.Gln1241Ter (NM_001425324.1); short protein forms Q1315*, Q1241*.
Identifiers: ClinVar variation 1457683 (VCV001457683.7), dbSNP rs1660218357, ClinGen allele CA341287687.